The following is an entry in ClinVar:

NM_001267550.2(TTN):c.87716del (p.Gly29239fs)

Genes: TTN (titin; minus strand), TTN-AS1 (TTN antisense RNA 1; plus strand). Cytogenetic location: 2q31.2.
Variant type: Deletion.
Coding change: c.87716del on transcript NM_001267550.2 (MANE Select); coding-DNA position 87716, one base deleted (G; older notation c.87716delG).
Protein change: p.Gly29239fs; shifts the reading frame from glycine 29239.
Molecular consequence: frameshift variant.
Genome position (GRCh38, 1-based): chr2:178,557,546, C deleted on the plus strand (G on the coding strand, the reverse complement: TTN is on the minus strand); the first of 2 consecutive C bases (chr2:178,557,546-178,557,547); deleting either gives the same sequence. VCF-style (leftmost placement, unchanged base first): chr2-178557545-TC-T. GRCh37 (hg19) VCF-style: chr2-179422272-TC-T.
Other names: c.87716delG (LRG_391t1, NM_001267550.1, NM_001267550.2); c.82793del, p.Gly27598fs (NM_001256850.1); c.60521del, p.Gly20174fs (NM_003319.4); c.80012del, p.Gly26671fs (NM_133378.4); c.60896del, p.Gly20299fs (NM_133432.3); c.61097del, p.Gly20366fs (NM_133437.4); c.87716del (NM_001267550.1); c.60521delG (NM_003319.4); short protein forms G20174fs, G26671fs, G27598fs, G20366fs, G20299fs, G29239fs.
Identifiers: ClinVar variation 223260 (VCV000223260.17), dbSNP rs869312028, ClinGen allele CA352447.

ClinVar aggregate classification (germline): Pathogenic/Likely pathogenic. Review status: criteria provided, multiple submitters, no conflicts (2 of 4 stars). 8 submissions from 6 submitters: Pathogenic (1); Likely pathogenic (5). 2 of the submissions do not count toward it. Last evaluated 2025-04-02.

Conditions:
Primary dilated cardiomyopathy (DCM). Also called: Dilated Cardiomyopathy. Identifiers: Orphanet 217604, MedGen C0007193, MeSH D002311, MONDO:0005021, HP:0001644. Inheritance: Various modes of inheritance.
TTN-related disorder. Also called: TTN-related disorders; TTN-related condition; TTN-related disease.
Cardiovascular phenotype. Identifiers: MedGen CN230736.
Autosomal recessive limb-girdle muscular dystrophy type 2J (LGMDR10). Also called: Limb-girdle muscular dystrophy, type 2J; MUSCULAR DYSTROPHY, LIMB-GIRDLE, AUTOSOMAL RECESSIVE 10. Identifiers: Orphanet 140922, MedGen C1837342, MONDO:0012127, OMIM 608807.
Dilated cardiomyopathy 1G (CMD1G). Identifiers: Orphanet 154, MedGen C1858763, MONDO:0011400, OMIM 604145.

Submissions (8):

Labcorp Genetics (formerly Invitae), Labcorp
Classification: Likely pathogenic for Dilated cardiomyopathy 1G; Autosomal recessive limb-girdle muscular dystrophy type 2J. Last evaluated: 2025-04-02. Review status: criteria provided, single submitter. Criteria: Invitae Variant Classification Sherloc (09022015). Collection method: clinical testing. Allele origin: germline.
Comment: This sequence change creates a premature translational stop signal (p.Gly29239Aspfs*32) in the TTN gene. While this is not anticipated to result in nonsense mediated decay, it is expected to create a truncated TTN protein. This variant is not present in population databases (gnomAD no frequency). This premature translational stop signal has been observed in individual(s) with clinical features of dilated cardiomyopathy (PMID: 25589632, 31983221, 37652022). ClinVar contains an entry for this variant (Variation ID: 223260). This variant is located in the A band of TTN (PMID: 25589632). Truncating variants in this region are significantly overrepresented in patients affected with dilated cardiomyopathy (PMID: 25589632). Truncating variants in this region have also been reported in individuals affected with autosomal recessive centronuclear myopathy (PMID: 23975875). In summary, the currently available evidence indicates that the variant is pathogenic, but additional data are needed to prove that conclusively. Therefore, this variant has been classified as Likely Pathogenic.

Victorian Clinical Genetics Services, Murdoch Childrens Research Institute
Classification: Likely pathogenic for Dilated cardiomyopathy 1G. Last evaluated: 2024-10-09. Review status: criteria provided, single submitter. Criteria: ACMG Guidelines, 2015. Collection method: clinical testing. Allele origin: germline. Inheritance: Autosomal dominant inheritance.
Comment: Based on the classification scheme VCGS_Germline_v1.3.4, this variant is classified as Likely pathogenic. Following criteria are met: 0102 - Loss of function is known mechanism of disease in this gene. In addition, dominant-negative is also a suggested mechanism (PMID: 25589632). (I) 0108 - This gene is associated with both recessive and dominant disease (OMIM). (I) 0112 - The condition associated with this gene has incomplete penetrance. Variants in this gene that result in a premature truncating codon (PTC) are known to have reduced penetrance in dilated cardiomyopathy (PMID: 25589632). (I) 0201 - Variant is predicted to cause nonsense-mediated decay (NMD) and loss of protein (premature termination codon is located at least 54 nucleotides upstream of the final exon-exon junction). (SP) 0251 - Variant is heterozygous. (I) 0301 - Variant is absent from gnomAD (both v2 and v3). (SP) 0600 - Variant is located in the annotated C-terminal A-band and the exon has a PSI score of 100 (PMID: 25589632). (I) 0702 - Other NMD-predicted variants comparable to the one identified in this case have strong previous evidence for pathogenicity (ClinVar). (SP) 0802 - This variant has moderate previous evidence of pathogenicity in unrelated individuals. This variant has been reported in individuals with dilated cardiomyopathy and has been classified as likely pathogenic by clinical diagnostic laboratories (PMID: 25589632, ClinVar). (SP) 0905 - No published segregation evidence has been identified for this variant. (I) 1007 - No published functional evidence has been identified for this variant. (I) 1208 - Inheritance information for this variant is not currently available in this individual. (I) Legend: (SP) - Supporting pathogenic, (I) - Information, (SB) - Supporting benign

Ambry Genetics
Classification: Likely pathogenic for Cardiovascular phenotype. Last evaluated: 2024-09-09. Review status: criteria provided, single submitter. Criteria: Ambry Variant Classification Scheme 2023. Collection method: clinical testing. Allele origin: germline.
Comment: The c.60521delG variant, located in coding exon 156 of the TTN gene, results from a deletion of one nucleotide at nucleotide position 60521, causing a translational frameshift with a predicted alternate stop codon (p.G20174Dfs*32). This exon is located in the A-band region of the N2-B isoform of the titin protein and is constitutively expressed in TTN transcripts (percent spliced in or PSI 100%). This variant (referred to as NM_001267550:c.87716delG p.Gly29239AspfsX32) has been detected in a dilated cardiomyopathy cohort (Roberts AM et al. Sci Transl Med, 2015 Jan;7:270ra6). This variant is considered to be rare based on population cohorts in the Genome Aggregation Database (gnomAD). This alteration is expected to result in loss of function by premature protein truncation or nonsense-mediated mRNA decay. While truncating variants in TTN are present in 1-3% of the general population, truncating variants in the A-band are the most common cause of dilated cardiomyopathy (DCM) (Herman DS et al. N. Engl. J. Med., 2012 Feb;366:619-28; Roberts AM et al. Sci Transl Med, 2015 Jan;7:270ra6). TTN truncating variants encoded in constitutive exons (PSI >90%) have been found to be significantly associated with DCM regardless of their position in titin (Schafer S et al. Nat. Genet., 2017 01;49:46-53). Based on the majority of available evidence to date, this variant is likely to be pathogenic.

Blueprint Genetics
Classification: Pathogenic for TTN-related disorders. Last evaluated: 2024-08-07. Review status: criteria provided, single submitter. Criteria: ACMG Guidelines, 2015. Collection method: clinical testing. Allele origin: germline. Affected: yes. Observed: 3 variant alleles.

GeneDx
Classification: Likely pathogenic. Last evaluated: 2024-07-03. Review status: criteria provided, single submitter. Criteria: GeneDx Variant Classification Process June 2021. Collection method: clinical testing. Allele origin: germline. Affected: yes.
Comment: Identified in patients with DCM in published literature (PMID: 31983221, 25589632); Not observed at significant frequency in large population cohorts (gnomAD); Frameshift variant predicted to result in protein truncation or nonsense mediated decay in a gene for which loss of function is a known mechanism of disease; Located in the A-band region of TTN in which the majority of loss of function variants have been associated with autosomal dominant titinopathies (PMID: 22335739); This variant is associated with the following publications: (PMID: 31691645, 37652022, 22335739, 31983221, 25589632)

Cardiovascular Biomedical Research Unit, Royal Brompton & Harefield NHS Foundation Trust
Classification: Likely pathogenic for Primary dilated cardiomyopathy. Last evaluated: 2014-10-08. Review status: criteria provided, single submitter. Criteria: Roberts et al. 2015. Collection method: research. Allele origin: germline. Inheritance: Autosomal dominant inheritance. Affected: yes. Observed: 1 variant allele. Study: Familial DCM.
Comment: In the seven cohorts assessed, TTNtv were found in 14% of ambulant DCM, 22% end-stage or familial DCM, and 2% controls. Heterozygous nonsense, frameshift and canonical splice-disrupting variants found in constitutive and other highly utilised exons are highly likely to be pathogenic when identified in individuals with phenotypically confirmed DCM. TTNtv found incidentally in healthy individuals (excluding familial assessment of DCM relatives) are thought to have low penetrance, particularly when identified in exons that are not constitutively expressed in the heart.

Cardiovascular Biomedical Research Unit, Royal Brompton & Harefield NHS Foundation Trust
Classification: Likely pathogenic for Primary dilated cardiomyopathy. Last evaluated: 2014-10-08. Review status: flagged submission. Criteria: Roberts et al. 2015. Collection method: research. Allele origin: germline. Inheritance: Autosomal dominant inheritance. Affected: yes. Observed: 1 variant allele. Study: Unselected DCM. Not counted in ClinVar's aggregate classification.
Comment: the same text as in the submission from Cardiovascular Biomedical Research Unit, Royal Brompton & Harefield NHS Foundation Trust above.
ClinVar note: Reason: This record appears to be redundant with a more recent record from the same submitter.
ClinVar note: Notes: SCV000189670 appears to be redundant with SCV000189793.

Cardiovascular Biomedical Research Unit, Royal Brompton & Harefield NHS Foundation Trust
Classification: Uncertain significance for Primary dilated cardiomyopathy. Last evaluated: 2014-10-08. Review status: flagged submission. Criteria: Roberts et al. 2015. Collection method: research. Allele origin: germline. Inheritance: Autosomal dominant inheritance. Affected: no. Observed: 1 variant allele. Study: FHS cohort. Not counted in ClinVar's aggregate classification.
Comment: the same text as in the submission from Cardiovascular Biomedical Research Unit, Royal Brompton & Harefield NHS Foundation Trust above.
ClinVar note: Reason: Claim with insufficient supporting evidence
ClinVar note: Reason: This record appears to be redundant with a more recent record from the same submitter.
ClinVar note: Notes: SCV000189736 appears to be redundant with SCV000189793.

Literature cited by the submitters: PubMed 25589632 (cited by 3 submitters); PubMed 31983221 (cited by Labcorp Genetics (formerly Invitae), Labcorp); PubMed 37652022 (cited by Labcorp Genetics (formerly Invitae), Labcorp); PubMed 23975875 (cited by Labcorp Genetics (formerly Invitae), Labcorp).